The following is an entry in ClinVar:

ClinVar aggregate classification (germline): Uncertain significance (1 of 4 stars; one submission).

Submission:

Labcorp Genetics (formerly Invitae), Labcorp
Classification: Uncertain significance. Last evaluated: 2025-09-10. Review status: criteria provided, single submitter. Criteria: Invitae Variant Classification Sherloc (09022015). Collection method: clinical testing. Allele origin: germline.
Comment: This sequence change replaces glycine, which is neutral and non-polar, with serine, which is neutral and polar, at codon 471 of the MBD4 protein (p.Gly471Ser). This variant also falls at the last nucleotide of exon 5, which is part of the consensus splice site for this exon. This variant is not present in population databases (gnomAD no frequency). This variant has not been reported in the literature in individuals affected with MBD4-related conditions. ClinVar contains an entry for this variant (Variation ID: 3726444). An algorithm developed to predict the effect of missense changes on protein structure and function (PolyPhen-2) suggests that this variant is likely to be disruptive. Variants that disrupt the consensus splice site are a relatively common cause of aberrant splicing (PMID: 17576681, 9536098). Algorithms developed to predict the effect of sequence changes on RNA splicing suggest that this variant may disrupt the consensus splice site. In summary, the available evidence is currently insufficient to determine the role of this variant in disease. Therefore, it has been classified as a Variant of Uncertain Significance.

Literature cited by the submitters: PubMed 17576681; PubMed 9536098.

NM_001276270.2(MBD4):c.1393G>A (p.Gly465Ser)

Gene: MBD4 (methyl-CpG binding domain 4, DNA glycosylase; minus strand). Cytogenetic location: 3q21.3.
Variant type: single nucleotide variant.
Coding change: c.1393G>A on transcript NM_001276270.2 (MANE Select); coding-DNA position 1393, G replaced by A.
Protein change: p.Gly465Ser; replaces glycine 465 with serine.
Molecular consequence: missense variant.
Genome position (GRCh38, 1-based): chr3:129,433,850, C>T on the plus strand (G>A on the coding strand, the complement: MBD4 is on the minus strand). VCF-style: chr3-129433850-C-T. GRCh37 (hg19) VCF-style: chr3-129152693-C-T.
Other names: c.1411G>A, p.Gly471Ser (NM_001276271.2, NM_001276272.2, NM_003925.3); c.457G>A, p.Gly153Ser (NM_001276273.2); short protein forms G153S, G471S, G465S.
Identifiers: ClinVar variation 3726444 (VCV003726444.2).